The following is an entry in ClinVar:

ClinVar aggregate classification (germline): Likely benign. Review status: criteria provided, single submitter (1 of 4 stars). 2 submissions from 2 submitters: Likely benign (1). 1 of the submissions does not count toward it. Last evaluated 2025-06-23.

Conditions:
PHIP-related disorder. Also called: PHIP-related condition; PHIP-related disorders.

Submissions (2):

Labcorp Genetics (formerly Invitae), Labcorp
Classification: Likely benign. Last evaluated: 2025-06-23. Review status: criteria provided, single submitter. Criteria: Invitae Variant Classification Sherloc (09022015). Collection method: clinical testing. Allele origin: germline.

PreventionGenetics, part of Exact Sciences
Classification: Likely benign for PHIP-related condition. Last evaluated: 2024-03-19. Review status: no assertion criteria provided. Collection method: clinical testing. Allele origin: germline. Not counted in ClinVar's aggregate classification.
Comment: This variant is classified as likely benign based on ACMG/AMP sequence variant interpretation guidelines (Richards et al. 2015 PMID: 25741868, with internal and published modifications).

NM_017934.7(PHIP):c.3282G>A (p.Glu1094=)

Genes: IRAK1BP1 (interleukin 1 receptor associated kinase 1 binding protein 1; plus strand), PHIP (PHIP subunit of CUL4-Ring ligase complex; minus strand). Cytogenetic location: 6q14.1.
Variant type: single nucleotide variant.
Coding change: c.3282G>A on transcript NM_017934.7 (MANE Select); coding-DNA position 3282, G replaced by A.
Protein change: p.Glu1094=; no amino-acid change (glutamic acid 1094 retained).
Molecular consequence: synonymous variant.
Genome position (GRCh38, 1-based): chr6:78,965,980, C>T on the plus strand (G>A on the coding strand, the complement: PHIP is on the minus strand). VCF-style: chr6-78965980-C-T. GRCh37 (hg19) VCF-style: chr6-79675697-C-T.
Identifiers: ClinVar variation 3348552 (VCV003348552.2).
Genomic context (GRCh38, chr6:78,965,980, plus strand): 5'-TAAAATACAACAAATATTTCCTTACCAAACATTGTAGCATTGAAACAGACTATCAGGGTA[C>T]TCAAGTTGAAGAGGTTCCTGGCTTTCGATTGTTCCAAACCACCAGGCATCATCTATGACA-3'
Protein context (NP_060404.4, residues 1084-1104): TIESQEPLQL[Glu1094=]YPDSLFQCYN